The following is an entry in ClinVar:

ClinVar aggregate classification (germline): Conflicting classifications of pathogenicity. Review status: criteria provided, conflicting classifications (1 of 4 stars). 2 submissions from 2 submitters: Uncertain significance (1); Likely benign (1). Last evaluated 2025-08-30.

Conditions:
Hereditary pulmonary alveolar proteinosis. Also called: Pulmonary surfactant metabolism dysfunction. Identifiers: Orphanet 264675, MedGen C3711368, MONDO:0012580.

Allele frequency attached by ClinVar (database versions not stated): gnomAD 0.00002; ExAC 0.00003; gnomAD exomes 0.00003; TOPMed 0.00003.
gnomAD v4.1: 53 of 1,613,446 alleles (0.0033%); highest among the groups gnomAD compares: South Asian, 0.0099%; no homozygotes.

Submissions (2):

Ambry Genetics
Classification: Likely benign for Hereditary pulmonary alveolar proteinosis. Last evaluated: 2025-08-30. Review status: criteria provided, single submitter. Criteria: Ambry Variant Classification Scheme 2023. Collection method: clinical testing. Allele origin: germline.

Labcorp Genetics (formerly Invitae), Labcorp
Classification: Uncertain significance. Last evaluated: 2022-07-12. Review status: criteria provided, single submitter. Criteria: Invitae Variant Classification Sherloc (09022015). Collection method: clinical testing. Allele origin: germline.
Comment: This sequence change replaces arginine, which is basic and polar, with histidine, which is basic and polar, at codon 1170 of the ABCA3 protein (p.Arg1170His). This variant is present in population databases (rs773880589, gnomAD 0.01%). This variant has not been reported in the literature in individuals affected with ABCA3-related conditions. Algorithms developed to predict the effect of missense changes on protein structure and function output the following: SIFT: "Tolerated"; PolyPhen-2: "Benign"; Align-GVGD: "Class C0". The histidine amino acid residue is found in multiple mammalian species, which suggests that this missense change does not adversely affect protein function. In summary, the available evidence is currently insufficient to determine the role of this variant in disease. Therefore, it has been classified as a Variant of Uncertain Significance.

NM_001089.3(ABCA3):c.3509G>A (p.Arg1170His)

Gene: ABCA3 (ATP binding cassette subfamily A member 3; minus strand). Cytogenetic location: 16p13.3.
Variant type: single nucleotide variant.
Coding change: c.3509G>A on transcript NM_001089.3 (MANE Select); coding-DNA position 3509, G replaced by A.
Protein change: p.Arg1170His; replaces arginine 1170 with histidine.
Molecular consequence: missense variant.
Genome position (GRCh38, 1-based): chr16:2,284,973, C>T on the plus strand (G>A on the coding strand, the complement: ABCA3 is on the minus strand). VCF-style: chr16-2284973-C-T. GRCh37 (hg19) VCF-style: chr16-2334974-C-T.
Other names: c.3509G>A (NM_001089.2); short protein forms R1170H.
Identifiers: ClinVar variation 2185108 (VCV002185108.2), dbSNP rs773880589, ClinGen allele CA7840475.
Genomic context (GRCh38, chr16:2,284,973, plus strand): 5'-CAGCCGTAGAGCAGGAGCAGCAGCAGGGTGTCAGCCATGTGGCCGTCCCGCGTGAAGGCA[C>T]GCACGTCGAAGGCCTTAAACACCACCTGCGGCGGCACAGGGAGGCGCTGCTGTGCATGCC-3'
Protein context (NP_001080.2, residues 1160-1180): LLVVFKAFDV[Arg1170His]AFTRDGHMAD